The following is an entry in ClinVar:

NM_000465.4(BARD1):c.1212C>G (p.Tyr404Ter)

Gene: BARD1 (BRCA1 associated RING domain 1; minus strand). Cytogenetic location: 2q35.
Variant type: single nucleotide variant.
Coding change: c.1212C>G on transcript NM_000465.4 (MANE Select); coding-DNA position 1212, C replaced by G.
Protein change: p.Tyr404Ter; replaces tyrosine 404 with a stop codon.
Molecular consequence: nonsense. On other transcripts: non-coding transcript variant (2), intron variant (3).
Genome position (GRCh38, 1-based): chr2:214,780,662, G>C on the plus strand (C>G on the coding strand, the complement: BARD1 is on the minus strand). VCF-style: chr2-214780662-G-C. GRCh37 (hg19) VCF-style: chr2-215645386-G-C.
Other names: c.1155C>G, p.Tyr385Ter (NM_001282543.2); c.159-28107C>G (NM_001282548.2); c.215+16399C>G (NM_001282545.2); c.364+11635C>G (NM_001282549.2); short protein forms Y404*, Y385*.
Identifiers: ClinVar variation 142734 (VCV000142734.40), dbSNP rs587782681, ClinGen allele CA169272.

ClinVar aggregate classification (germline): Pathogenic. Review status: criteria provided, multiple submitters, no conflicts (2 of 4 stars). 18 submissions from 18 submitters: Pathogenic (17). 1 of the submissions does not count toward it. Last evaluated 2026-01-18.

Conditions:
BARD1-related disorder. Also called: BARD1-related condition.
BARD1-related cancer predisposition. Identifiers: MedGen CN377756, MONDO:0700267.
Autosomal dominant BARD1-related cancer types.
Hereditary cancer-predisposing syndrome. Also called: Tumor predisposition; Hereditary neoplastic syndrome; Neoplastic Syndromes, Hereditary; Hereditary Cancer Syndrome. Identifiers: Orphanet 140162, MedGen C0027672, MeSH D009386, MONDO:0015356.
Hereditary breast ovarian cancer syndrome. Also called: Hereditary breast and ovarian cancer; Breast and ovarian cancer; Hereditary breast and ovarian cancer syndrome; Hereditary breast and/or ovarian cancer syndrome; BRCA1- and BRCA2-Associated Hereditary Breast and Ovarian Cancer; Hereditary breast and ovarian cancer syndrome (HBOC). Identifiers: Orphanet 145, MedGen C0677776, MeSH D061325, MONDO:0003582. Disease mechanism: loss of function.
Familial cancer of breast. Also called: BREAST CANCER, FAMILIAL; hereditary breast carcinoma; Hereditary breast cancer. Identifiers: Orphanet 227535, MedGen C0346153, MONDO:0016419, OMIM 114480. Disease mechanism: loss of function.

Allele frequency attached by ClinVar (database versions not stated): gnomAD exomes below 0.00001 and 0.00001; gnomAD 0.00002; TOPMed 0.00001.
gnomAD v4.1: 20 of 1,613,998 alleles (0.0012%); highest among the groups gnomAD compares: Non-Finnish European, 0.0015%; no homozygotes.

Submissions 1 to 12 of 18:

Labcorp Genetics (formerly Invitae), Labcorp
Classification: Pathogenic for Familial cancer of breast. Last evaluated: 2026-01-18. Review status: criteria provided, single submitter. Criteria: Invitae Variant Classification Sherloc (09022015). Collection method: clinical testing. Allele origin: germline.
Comment: This sequence change creates a premature translational stop signal (p.Tyr404*) in the BARD1 gene. It is expected to result in an absent or disrupted protein product. Loss-of-function variants in BARD1 are known to be pathogenic (PMID: 20077502, 21344236). This variant is present in population databases (rs587782681, gnomAD 0.004%). This premature translational stop signal has been observed in individual(s) with a family history of ovarian cancer (PMID: 26315354). ClinVar contains an entry for this variant (Variation ID: 142734). RNA analysis performed to evaluate the impact of this premature translational stop signal on mRNA splicing indicates it does not significantly alter splicing (internal data). For these reasons, this variant has been classified as Pathogenic.

Quest Diagnostics Nichols Institute San Juan Capistrano
Classification: Pathogenic. Last evaluated: 2025-09-05. Review status: criteria provided, single submitter. Criteria: Quest Diagnostics criteria. Collection method: clinical testing. Allele origin: unknown.
Comment: The BARD1 c.1212C>G (p.Tyr404*) variant causes the premature termination of BARD1 protein synthesis. This variant has been reported in the published literature in individuals with breast cancer (PMID: 36315097 (2022)), personal and/or family history of ovarian cancer (PMID: 26315354 (2015), 28888541 (2017), 30322717 (2018)), colorectal cancer (PMID: 31118792 (2019)), as well as in reportedly unaffected individuals (PMID: 29790872 (2018), 33471991 (2021), see also LOVD). The frequency of this variant in the general population (Genome Aggregation Database) is consistent with pathogenicity. Based on the available information, this variant is classified as pathogenic.

Variantyx, Inc.
Classification: Pathogenic for Autosomal dominant BARD1-related cancer types. Last evaluated: 2025-06-26. Review status: criteria provided, single submitter. Criteria: Variantyx Assertion Criteria 2022. Collection method: clinical testing. Allele origin: germline. Inheritance: Autosomal dominant inheritance. Affected: no.
Comment: This is a nonsense variant in the BARD1 gene (OMIM: 601593). Pathogenic variants in this gene have been associated with autosomal dominant susceptibility to BARAD1-related cancer. types (PMID: 36315097). There is an emerging evidence relating pathogenic variants in the BARD1 gene to neuroblastoma (PMID: 37688579, 37688570, 36747619, 19412175). This variant introduces a premature termination codon in exon 4 out of 11 and is expected to result in loss of function, which is a known disease mechanism for BARD1 (PMID: 26315354) (PVS1). This alteration has been reported in at least 3 unrelated affected individuals diagnosed with ovarian cancer or breast cancer (PMID: 26315354, 28888541, 34887416), and it has a 0.0015% maximum allele frequency in non-founder control populations (PM2). Based on the current evidence, this variant is classified as pathogenic for autosomal dominant susceptibility to BARD1-related cancer types

Color Diagnostics, LLC DBA Color Health
Classification: Pathogenic for Hereditary cancer-predisposing syndrome. Last evaluated: 2025-03-24. Review status: criteria provided, single submitter. Criteria: ACMG Guidelines, 2015. Collection method: clinical testing. Allele origin: germline.
Comment: This variant changes 1 nucleotide in exon 4 of the BARD1 gene, creating a premature translation stop signal. This variant is expected to result in an absent or non-functional protein product. This variant has been reported in individuals affected with ovarian cancer (PMID: 30322717, 31341520) and breast cancer (PMID: 36315097). This variant has been identified in 3/282382 chromosomes in the general population by the Genome Aggregation Database (gnomAD). Loss of BARD1 function is a known mechanism of disease. Based on the available evidence, this variant is classified as Pathogenic.

Center for Genomic Medicine, Rigshospitalet, Copenhagen University Hospital
Classification: Pathogenic. Last evaluated: 2025-03-04. Review status: criteria provided, single submitter. Criteria: ACMG Guidelines, 2015. Collection method: clinical testing. Allele origin: germline.

Ambry Genetics
Classification: Pathogenic for Hereditary cancer-predisposing syndrome. Last evaluated: 2025-01-30. Review status: criteria provided, single submitter. Criteria: Ambry Variant Classification Scheme 2023. Collection method: clinical testing. Allele origin: germline.
Comment: The p.Y404* pathogenic mutation (also known as c.1212C>G), located in coding exon 4 of the BARD1 gene, results from a C to G substitution at nucleotide position 1212. This changes the amino acid from a tyrosine to a stop codon within coding exon 4. This pathogenic mutation has been reported in multiple individuals diagnosed with ovarian cancer (Ramus SJ et al. J. Natl. Cancer Inst. 2015 Nov;107; Carter NJ et al. Gynecol Oncol, 2018 12;151:481-488). In addition to the clinical data presented in the literature, this alteration is expected to result in loss of function by premature protein truncation or nonsense-mediated mRNA decay. As such, this alteration is interpreted as a disease-causing mutation.

St. Jude Molecular Pathology, St. Jude Children's Research Hospital
Classification: Pathogenic for Familial cancer of breast. Last evaluated: 2024-10-12. Review status: criteria provided, single submitter. Criteria: St. Jude Assertion Criteria 2020. Collection method: clinical testing. Allele origin: germline.
Comment: The BARD1 c.1212C>G (p.Tyr404Ter) change is a nonsense variant that is predicted to cause premature protein truncation or absence of protein due to nonsense-mediated decay. This variant has been reported in an individual with breast cancer (PMID: 36315097). This variant has a maximum founder subpopulation frequency of 0.004% and a maximum non-founder subpopulation frequency of 0.002% in gnomAD v2.1.1. In summary, this variant meets criteria to be classified as pathogenic.

Hereditary Cancer Laboratory, Hospital Universitario 12 de Octubre
Classification: Pathogenic for Hereditary cancer-predisposing syndrome. Last evaluated: 2024-07-03. Review status: criteria provided, single submitter. Criteria: ACMG Guidelines, 2015. Collection method: clinical testing. Allele origin: germline.
Comment: PVS1+PM2

Institute for Genomic Medicine (IGM) Clinical Laboratory, Nationwide Children's Hospital
Classification: Pathogenic for BARD1-related cancer predisposition. Last evaluated: 2024-06-13. Review status: criteria provided, single submitter. Criteria: ACMG Guidelines, 2015. Collection method: clinical testing. Allele origin: germline.
Comment: This variant is predicted to result in loss of function through nonsense-mediated decay of the encoded transcript or premature truncation of the encoded protein in a gene in which loss of function is a known mechanism of disease (ACMG/AMP: PVS1). This variant has been reported at an elevated frequency in affected individuals/in multiple affected individuals in the literature (ACMG/AMP: PS4_Moderate; PMIDs:29700634, 36315097). This variant is absent from or present at an exceedingly low frequency in gnomAD, a large-scale control population database (ACMG/AMP: PM2).

Baylor Genetics
Classification: Pathogenic for Familial cancer of breast. Last evaluated: 2024-03-19. Review status: criteria provided, single submitter. Criteria: ACMG Guidelines, 2015. Collection method: clinical testing. Allele origin: unknown.

GeneDx
Classification: Pathogenic. Last evaluated: 2024-03-14. Review status: criteria provided, single submitter. Criteria: GeneDx Variant Classification Process June 2021. Collection method: clinical testing. Allele origin: germline. Affected: yes.
Comment: Nonsense variant predicted to result in protein truncation or nonsense mediated decay in a gene for which loss of function is a known mechanism of disease; Observed in individuals with breast or ovarian cancer (PMID: 26315354, 31341520, 36315097, 28888541); Not observed at significant frequency in large population cohorts (gnomAD); This variant is associated with the following publications: (PMID: 26315354, 31341520, 32832836, 30322717, 29790872, 31589614, 29700634, 28888541, 33804961, 36315097, 21344236, 20077502, 34887416)

Myriad Genetics, Inc.
Classification: Pathogenic for Familial cancer of breast. Last evaluated: 2023-05-22. Review status: criteria provided, single submitter. Criteria: Myriad Autosomal Dominant, Autosomal Recessive and X-Linked Classification Criteria (2023). Collection method: clinical testing. Allele origin: unknown.
Comment: This variant is considered pathogenic. This variant creates a termination codon and is predicted to result in premature protein truncation.